The following is an entry in ClinVar:

NM_000337.6(SGCD):c.502+250G>T

Gene: SGCD (sarcoglycan delta; plus strand). Cytogenetic location: 5q33.3.
Variant type: single nucleotide variant.
Coding change: c.502+250G>T on transcript NM_000337.6 (MANE Select); 250 bases into the intron after coding-DNA position 502, G replaced by T.
Molecular consequence: intron variant.
Genome position (GRCh38, 1-based): chr5:156,595,301, G>T. VCF-style: chr5-156595301-G-T. GRCh37 (hg19) VCF-style: chr5-156022311-G-T.
Other names: c.499+250G>T (NM_001128209.2); c.502+250G>T (NM_172244.3).
Identifiers: ClinVar variation 673546 (VCV000673546.1), dbSNP rs114059396, ClinGen allele CA130623712.

ClinVar aggregate classification (germline): Likely benign (1 of 4 stars; one submission).

Allele frequency attached by ClinVar (database versions not stated): gnomAD 0.00766 and 0.00831; 1000 Genomes Project 0.00819; 1000 Genomes Project 30x 0.00874; TOPMed 0.00917.
gnomAD v4.1: 1,155 of 152,200 alleles (0.76%); highest among the groups gnomAD compares: African/African-American, 2.6%; 15 homozygotes.

Submission:

GeneDx
Classification: Likely benign. Last evaluated: 2018-06-16. Review status: criteria provided, single submitter. Criteria: GeneDx Variant Classification (06012015). Collection method: clinical testing. Allele origin: germline. Affected: yes.
Comment: This variant is considered likely benign or benign based on one or more of the following criteria: it is a conservative change, it occurs at a poorly conserved position in the protein, it is predicted to be benign by multiple in silico algorithms, and/or has population frequency not consistent with disease.